The following is an entry in ClinVar:

NM_003803.4(MYOM1):c.2317dup (p.Ile773fs)

Gene: MYOM1 (myomesin 1; minus strand). Cytogenetic location: 18p11.31.
Variant type: Duplication.
Coding change: c.2317dup on transcript NM_003803.4 (MANE Select); coding-DNA position 2317, one base duplicated (A; older notation c.2317dupA).
Protein change: p.Ile773fs; shifts the reading frame from isoleucine 773.
Molecular consequence: frameshift variant.
Genome position (GRCh38, 1-based): chr18:3,134,717, T duplicated on the plus strand (A on the coding strand, the reverse complement: MYOM1 is on the minus strand). VCF-style (leftmost placement, unchanged base first): chr18-3134716-A-AT. GRCh37 (hg19) VCF-style: chr18-3134714-A-AT.
Other names: c.2317dup, p.Ile773fs (NM_019856.2); c.2317dupA (NM_003803.3); short protein forms I773fs.
Identifiers: ClinVar variation 643290 (VCV000643290.7), dbSNP rs762570567, ClinGen allele CA8874687.

ClinVar aggregate classification (germline): Uncertain significance (1 of 4 stars; one submission).

Conditions:
Hypertrophic cardiomyopathy. Also called: HYPERTROPHIC MYOCARDIOPATHY. Identifiers: Orphanet 217569, MedGen C0007194, MeSH D002312, MONDO:0005045, HP:0001639.

Allele frequency attached by ClinVar (database versions not stated): gnomAD exomes below 0.00001; ExAC 0.00001; gnomAD 0.00006 and 0.00007; TOPMed 0.00013; 1000 Genomes Project 30x 0.00016.

Submission:

Labcorp Genetics (formerly Invitae), Labcorp
Classification: Uncertain significance for Hypertrophic cardiomyopathy. Last evaluated: 2024-04-25. Review status: criteria provided, single submitter. Criteria: Invitae Variant Classification Sherloc (09022015). Collection method: clinical testing. Allele origin: germline.
Comment: This sequence change creates a premature translational stop signal (p.Ile773Asnfs*15) in the MYOM1 gene. It is expected to result in an absent or disrupted protein product. However, the current clinical and genetic evidence is not sufficient to establish whether loss-of-function variants in MYOM1 cause disease. This variant is present in population databases (rs762570567, gnomAD 0.1%). This variant has not been reported in the literature in individuals affected with MYOM1-related conditions. ClinVar contains an entry for this variant (Variation ID: 643290). Algorithms developed to predict the effect of sequence changes on RNA splicing suggest that this variant may disrupt the consensus splice site. In summary, the available evidence is currently insufficient to determine the role of this variant in disease. Therefore, it has been classified as a Variant of Uncertain Significance.